The following is an entry in ClinVar:

ClinVar aggregate classification (germline): Likely benign. Review status: criteria provided, multiple submitters, no conflicts (2 of 4 stars). 2 submissions from 2 submitters: Likely benign (2). Last evaluated 2026-08-01.

Conditions:
Severe combined immunodeficiency due to DNA-PKcs deficiency. Also called: Immunodeficiency 26 with or without neurologic abnormalities; IMMUNODEFICIENCY 26 WITH NEUROLOGIC ABNORMALITIES. Identifiers: Orphanet 317425, MedGen C4014833, MONDO:0014423, OMIM 615966.

Allele frequency attached by ClinVar (database versions not stated): ExAC 0.00004; gnomAD 0.00004; TOPMed 0.00005.
gnomAD v4.1: 41 of 1,607,252 alleles (0.0026%); highest among the groups gnomAD compares: Admixed American, 0.018%; no homozygotes.

Submissions (2):

CeGaT Center for Human Genetics Tuebingen
Classification: Likely benign. Last evaluated: 2026-08-01. Review status: criteria provided, single submitter. Criteria: CeGaT Center For Human Genetics Tuebingen Variant Classification Criteria Version 2. Collection method: clinical testing. Allele origin: germline. Affected: yes. Observed: 1 variant allele.
Comment: PRKDC: BP4, BP7

Labcorp Genetics (formerly Invitae), Labcorp
Classification: Likely benign for Severe combined immunodeficiency due to DNA-PKcs deficiency. Last evaluated: 2025-08-06. Review status: criteria provided, single submitter. Criteria: Invitae Variant Classification Sherloc (09022015). Collection method: clinical testing. Allele origin: germline.

NM_006904.7(PRKDC):c.10467C>T (p.Ser3489=)

Gene: PRKDC (protein kinase, DNA-activated, catalytic subunit; minus strand). Cytogenetic location: 8q11.21.
Variant type: single nucleotide variant.
Coding change: c.10467C>T on transcript NM_006904.7 (MANE Select); coding-DNA position 10467, C replaced by T.
Protein change: p.Ser3489=; no amino-acid change (serine 3489 retained).
Molecular consequence: synonymous variant.
Genome position (GRCh38, 1-based): chr8:47,794,493, G>A on the plus strand (C>T on the coding strand, the complement: PRKDC is on the minus strand). VCF-style: chr8-47794493-G-A. GRCh37 (hg19) VCF-style: chr8-48707054-G-A.
Other names: c.10467C>T, p.Ser3489= (NM_001081640.2).
Identifiers: ClinVar variation 1560086 (VCV001560086.9), dbSNP rs760537334, ClinGen allele CA4739307.
Genomic context (GRCh38, chr8:47,794,493, plus strand): 5'-GTCTTTGTCCAGTAAGGCCACCATGTGGCTGATCCAGCTGATGAACTGCCAGCAGGGAAC[G>A]GAAGAGATCTAAAACAGAGAGCTGAAACTTAATGCTGAGTAAAACATCTCACATCATCTG-3'
Protein context (NP_008835.5, residues 3479-3499): TLSLMTKEIS[Ser3489=]VPCWQFISWI